The following is an entry in ClinVar:

NM_001329630.2(PLEKHA7):c.3555C>T (p.Tyr1185=)

Gene: PLEKHA7 (pleckstrin homology domain containing A7; minus strand). Cytogenetic location: 11p15.2.
Variant type: single nucleotide variant.
Coding change: c.3555C>T on transcript NM_001329630.2 (MANE Select); coding-DNA position 3555, C replaced by T.
Protein change: p.Tyr1185=; no amino-acid change (tyrosine 1185 retained).
Molecular consequence: synonymous variant.
Genome position (GRCh38, 1-based): chr11:16,783,795, G>A on the plus strand (C>T on the coding strand, the complement: PLEKHA7 is on the minus strand). VCF-style: chr11-16783795-G-A. GRCh37 (hg19) VCF-style: chr11-16805342-G-A.
Other names: c.3558C>T, p.Tyr1186= (NM_001410960.1).
Identifiers: ClinVar variation 3044870 (VCV003044870.2), dbSNP rs4757433, ClinGen allele CA5898764.

ClinVar aggregate classification (germline): Benign (0 of 4 stars; one submission).

Conditions:
PLEKHA7-related disorder. Also called: PLEKHA7-related condition.

Allele frequency attached by ClinVar (database versions not stated): ExAC 0.00156; gnomAD exomes 0.00173; gnomAD 0.00288; TOPMed 0.00456; 1000 Genomes Project 30x 0.00796; 1000 Genomes Project 0.00819.
gnomAD v4.1: 2,805 of 1,512,736 alleles (0.19%); highest among the groups gnomAD compares: East Asian, 4%; 64 homozygotes.

Submission:

PreventionGenetics, part of Exact Sciences
Classification: Benign for PLEKHA7-related condition. Last evaluated: 2019-04-23. Review status: no assertion criteria provided. Collection method: clinical testing. Allele origin: germline.
Comment: This variant is classified as benign based on ACMG/AMP sequence variant interpretation guidelines (Richards et al. 2015 PMID: 25741868, with internal and published modifications).